The following is an entry in ClinVar:

ClinVar aggregate classification (germline): Uncertain significance (1 of 4 stars; one submission).

gnomAD v4.1: 5 of 232,928 alleles (0.0021%); highest among the groups gnomAD compares: Admixed American, 0.0056%; no homozygotes.

Submission:

CeGaT Center for Human Genetics Tuebingen
Classification: Uncertain significance. Last evaluated: 2025-01-01. Review status: criteria provided, single submitter. Criteria: CeGaT Center For Human Genetics Tuebingen Variant Classification Criteria Version 2. Collection method: clinical testing. Allele origin: germline. Affected: yes. Observed: 1 variant allele.
Comment: FGFR1: PP2

NM_023110.3(FGFR1):c.*1123C>T

Genes: FGFR1 (fibroblast growth factor receptor 1; minus strand), LOC102723716 (uncharacterized LOC102723716; minus strand). Cytogenetic location: 8p11.23.
Variant type: single nucleotide variant.
Coding change: c.*1123C>T on transcript NM_023110.3 (MANE Select); 1123 bases downstream of the stop codon, C replaced by T.
Molecular consequence: 3 prime UTR variant. On other transcripts: non-coding transcript variant (1), missense variant (3).
Genome position (GRCh38, 1-based): chr8:38,412,505, G>A on the plus strand (C>T on the coding strand, the complement: FGFR1 is on the minus strand). VCF-style: chr8-38412505-G-A. GRCh37 (hg19) VCF-style: chr8-38270023-G-A.
Other names: c.*1123C>T (NM_001174063.2, NM_001174064.2, NM_001174065.2 and 7 more transcripts); c.2377C>T, p.Pro793Ser (NM_001354367.2); c.2371C>T, p.Pro791Ser (NM_001354369.2); c.2110C>T, p.Pro704Ser (NM_001354370.2); short protein forms P704S, P791S, P793S.
Identifiers: ClinVar variation 3771565 (VCV003771565.13).